The following is an entry in ClinVar:

NM_000023.4(SGCA):c.37+3A>G

Gene: SGCA (sarcoglycan alpha; plus strand). Cytogenetic location: 17q21.33.
Variant type: single nucleotide variant.
Coding change: c.37+3A>G on transcript NM_000023.4 (MANE Select); 3 bases into the intron after coding-DNA position 37, A replaced by G.
Molecular consequence: intron variant.
Genome position (GRCh38, 1-based): chr17:50,166,080, A>G. VCF-style: chr17-50166080-A-G. GRCh37 (hg19) VCF-style: chr17-48243441-A-G.
Other names: c.37+3A>G (LRG_203t1, NM_001135697.3).
Identifiers: ClinVar variation 449763 (VCV000449763.8), dbSNP rs1370709181, ClinGen allele CA626485333.

ClinVar aggregate classification (germline): Uncertain significance. Review status: criteria provided, multiple submitters, no conflicts (2 of 4 stars). 5 submissions from 5 submitters: Uncertain significance (4). 1 of the submissions does not count toward it. Last evaluated 2023-02-08.

Conditions:
Autosomal recessive limb-girdle muscular dystrophy type 2D (LGMDR3). Also called: ADHALINOPATHY, PRIMARY; DUCHENNE-LIKE AUTOSOMAL RECESSIVE MUSCULAR DYSTROPHY, TYPE 2; MUSCULAR DYSTROPHY, LIMB-GIRDLE, AUTOSOMAL RECESSIVE 3. Identifiers: Orphanet 62, MedGen C2936332, MONDO:0011968, OMIM 608099. Disease mechanism: Affects gamma-sarcoglycan and also disrupts the integrity of the entire sarcoglycan complex..

Allele frequency attached by ClinVar (database versions not stated): gnomAD exomes below 0.00001 and 0.00001; gnomAD 0.00001.
gnomAD v4.1: 4 of 1,612,914 alleles (0.00025%); highest among the groups gnomAD compares: Non-Finnish European, 0.00034%; no homozygotes.

Submissions (5):

Genome-Nilou Lab
Classification: Uncertain significance for Autosomal recessive limb-girdle muscular dystrophy type 2D. Last evaluated: 2023-02-08. Review status: criteria provided, single submitter. Criteria: ACMG Guidelines, 2015. Collection method: clinical testing. Allele origin: germline.

Labcorp Genetics (formerly Invitae), Labcorp
Classification: Uncertain significance for Autosomal recessive limb-girdle muscular dystrophy type 2D. Last evaluated: 2022-06-04. Review status: criteria provided, single submitter. Criteria: Invitae Variant Classification Sherloc (09022015). Collection method: clinical testing. Allele origin: germline.
Comment: This sequence change falls in intron 1 of the SGCA gene. It does not directly change the encoded amino acid sequence of the SGCA protein. It affects a nucleotide within the consensus splice site. This variant is present in population databases (no rsID available, gnomAD 0.002%). This variant has not been reported in the literature in individuals affected with SGCA-related conditions. ClinVar contains an entry for this variant (Variation ID: 449763). Variants that disrupt the consensus splice site are a relatively common cause of aberrant splicing (PMID: 17576681, 9536098). Algorithms developed to predict the effect of sequence changes on RNA splicing suggest that this variant may disrupt the consensus splice site. In summary, the available evidence is currently insufficient to determine the role of this variant in disease. Therefore, it has been classified as a Variant of Uncertain Significance.

Revvity Omics, Revvity
Classification: Uncertain significance for Autosomal recessive limb-girdle muscular dystrophy type 2D. Last evaluated: 2020-05-24. Review status: criteria provided, single submitter. Criteria: ACMG Guidelines, 2015. Collection method: clinical testing. Allele origin: germline.

GeneDx
Classification: Uncertain significance. Last evaluated: 2017-10-31. Review status: criteria provided, single submitter. Criteria: GeneDx Variant Classification (06012015). Collection method: clinical testing. Allele origin: germline. Affected: yes.
Comment: A variant of uncertain significance has been identified in the SGCA gene. The c.37+3 A>G variant hasnot been published as a pathogenic variant, nor has it been reported as a benign variant to our knowledge. This variant is not observed at a significant frequency in large population cohorts (Lek et al., 2016). In-silico splice prediction models cannot determine whether or not the variant may affect splicing. In the absence of RNA/functional studies, the actual effect of this sequence change in this individual is unknown. The c.37+3 A>G variant alters a residue that is conserved in mammals. Therefore, based on the currently available information, it is unclear whether this variant is a pathogenic variant or a rare benign variant.

Natera, Inc.
Classification: Uncertain significance for Limb-girdle muscular dystrophy type 2D. Last evaluated: 2020-09-16. Review status: no assertion criteria provided. Collection method: clinical testing. Allele origin: germline. Not counted in ClinVar's aggregate classification.

Literature cited by the submitters: PubMed 17576681 (cited by Labcorp Genetics (formerly Invitae), Labcorp); PubMed 9536098 (cited by Labcorp Genetics (formerly Invitae), Labcorp).